The following is an entry in ClinVar:

NM_001042492.3(NF1):c.2485_2494del (p.Ser829fs)

Gene: NF1 (neurofibromin 1; plus strand). Cytogenetic location: 17q11.2.
Variant type: Deletion.
Coding change: c.2485_2494del on transcript NM_001042492.3 (MANE Select); coding-DNA positions 2485 to 2494, 10 bases deleted (TCTGACACAG; older notation c.2485_2494delTCTGACACAG).
Protein change: p.Ser829fs; shifts the reading frame from serine 829.
Molecular consequence: frameshift variant.
Genome position (GRCh38, 1-based): chr17:31,229,100-31,229,109, TCTGACACAG deleted; deleting any 10 consecutive bases within chr17:31,229,099-31,229,109 gives the same sequence; the c. name uses the placement nearest the transcript's 3' end. VCF-style (leftmost placement, unchanged base first): chr17-31229098-TGTCTGACACA-T. GRCh37 (hg19) VCF-style: chr17-29556116-TGTCTGACACA-T.
Other names: c.2485_2494delTCTGACACAG, p.Ser829Thrfs (NM_000267.4); short protein forms S829fs.
Identifiers: ClinVar variation 957885 (VCV000957885.6), dbSNP rs2067065917, ClinGen allele CA1139665433.
Genomic context (GRCh38, chr17:31,229,098, plus strand): 5'-TTCACAAGACCATTGTTAAGAGGCGAATGTCCCATGTGAGTGGAGGAGGATCCATAGATT[TGTCTGACACA>T]GACTCCCTACAGGAATGGATCAACATGACTGGCTTCCTTTGTGCCCTTGGGGGAGTGTGC-3'

ClinVar aggregate classification (germline): Pathogenic (1 of 4 stars; one submission).

Conditions:
Neurofibromatosis, type 1 (NF1). Also called: Peripheral type neurofibromatosis; VON RECKLINGHAUSEN DISEASE; NEUROFIBROMATOSIS, TYPE I, SOMATIC; Neurofibromatosis, type I. Identifiers: Orphanet 636, MedGen C0027831, MONDO:0018975, OMIM 162200. Disease mechanism: loss of function.

Submission:

Labcorp Genetics (formerly Invitae), Labcorp
Classification: Pathogenic for Neurofibromatosis, type 1. Last evaluated: 2019-08-06. Review status: criteria provided, single submitter. Criteria: Invitae Variant Classification Sherloc (09022015). Collection method: clinical testing. Allele origin: germline.
Comment: For these reasons, this variant has been classified as Pathogenic. Loss-of-function variants in NF1 are known to be pathogenic (PMID: 10712197, 23913538). This variant has not been reported in the literature in individuals with NF1-related conditions. This variant is not present in population databases (ExAC no frequency). This sequence change creates a premature translational stop signal (p.Ser829Thrfs*9) in the NF1 gene. It is expected to result in an absent or disrupted protein product.

Literature cited by the submitters: PubMed 10712197; PubMed 23913538.